The following is an entry in ClinVar:

NM_020066.5(FMN2):c.3159C>T (p.Pro1053=)

Gene: FMN2 (formin 2; plus strand). Cytogenetic location: 1q43.
Variant type: single nucleotide variant.
Coding change: c.3159C>T on transcript NM_020066.5 (MANE Select); coding-DNA position 3159, C replaced by T.
Protein change: p.Pro1053=; no amino-acid change (proline 1053 retained).
Molecular consequence: synonymous variant. On other transcripts: intron variant (1).
Genome position (GRCh38, 1-based): chr1:240,207,971, C>T. VCF-style: chr1-240207971-C-T. GRCh37 (hg19) VCF-style: chr1-240371271-C-T.
Other names: c.3171C>T, p.Pro1057= (NM_001305424.2); c.1986+19709C>T (NM_001348094.2).
Identifiers: ClinVar variation 2640168 (VCV002640168.24), dbSNP rs1402661962, ClinGen allele CA424385519.
Genomic context (GRCh38, chr1:240,207,971, plus strand): 5'-GCCCCCACTTCCCGGAGCGGGCATACCCCCTCCGCCCCCACTTCCCGGAGCGGGCATACC[C>T]CCTCCTCCCCCTCTTCCCGGAGCGGGCATACCTCCTCCACCCCCTCTACCCGGAGCGGGC-3'
Protein context (NP_064450.3, residues 1043-1063): PPPPLPGAGI[Pro1053=]PPPPLPGAGI

ClinVar aggregate classification (germline): Likely benign (1 of 4 stars; one submission).

Submission:

CeGaT Center for Human Genetics Tuebingen
Classification: Likely benign. Last evaluated: 2023-04-01. Review status: criteria provided, single submitter. Criteria: CeGaT Center For Human Genetics Tuebingen Variant Classification Criteria Version 2. Collection method: clinical testing. Allele origin: germline. Affected: yes. Observed: 1 variant allele.
Comment: FMN2: BP4, BP7